The following is an entry in ClinVar:

NM_000066.4(C8B):c.523C>G (p.Leu175Val)

Gene: C8B (complement C8 beta chain; minus strand). Cytogenetic location: 1p32.2.
Variant type: single nucleotide variant.
Coding change: c.523C>G on transcript NM_000066.4 (MANE Select); coding-DNA position 523, C replaced by G.
Protein change: p.Leu175Val; replaces leucine 175 with valine.
Molecular consequence: missense variant.
Genome position (GRCh38, 1-based): chr1:56,954,696, G>C on the plus strand (C>G on the coding strand, the complement: C8B is on the minus strand). VCF-style: chr1-56954696-G-C. GRCh37 (hg19) VCF-style: chr1-57420369-G-C.
Other names: c.523C>G (NM_000066.2); c.367C>G, p.Leu123Val (NM_001278543.2); c.337C>G, p.Leu113Val (NM_001278544.2); short protein forms L113V, L123V, L175V.
Identifiers: ClinVar variation 1433830 (VCV001433830.5), dbSNP rs377140731, ClinGen allele CA875958.

ClinVar aggregate classification (germline): Uncertain significance. Review status: criteria provided, multiple submitters, no conflicts (2 of 4 stars). 3 submissions from 3 submitters: Uncertain significance (3). Last evaluated 2024-03-04.

Conditions:
Inborn genetic diseases. Identifiers: MedGen C0950123, MeSH D030342.

Allele frequency attached by ClinVar (database versions not stated): gnomAD exomes 0.00002 and 0.00005; gnomAD 0.00003 and 0.00004; ExAC 0.00005; TOPMed 0.00006; ESP Exome Variant Server 0.00008.
gnomAD v4.1: 42 of 1,614,018 alleles (0.0026%); highest among the groups gnomAD compares: Admixed American, 0.025%; no homozygotes.

Submissions (3):

Ambry Genetics
Classification: Uncertain significance for Inborn genetic diseases. Last evaluated: 2024-03-04. Review status: criteria provided, single submitter. Criteria: Ambry Variant Classification Scheme 2023. Collection method: clinical testing. Allele origin: germline.

Blueprint Genetics
Classification: Uncertain significance. Last evaluated: 2024-01-19. Review status: criteria provided, single submitter. Criteria: ACMG Guidelines, 2015. Collection method: clinical testing. Allele origin: germline.

Labcorp Genetics (formerly Invitae), Labcorp
Classification: Uncertain significance. Last evaluated: 2022-04-07. Review status: criteria provided, single submitter. Criteria: Invitae Variant Classification Sherloc (09022015). Collection method: clinical testing. Allele origin: germline.
Comment: This sequence change replaces leucine, which is neutral and non-polar, with valine, which is neutral and non-polar, at codon 175 of the C8B protein (p.Leu175Val). This variant is present in population databases (rs377140731, gnomAD 0.03%). This variant has not been reported in the literature in individuals affected with C8B-related conditions. Algorithms developed to predict the effect of missense changes on protein structure and function (SIFT, PolyPhen-2, Align-GVGD) all suggest that this variant is likely to be disruptive. In summary, the available evidence is currently insufficient to determine the role of this variant in disease. Therefore, it has been classified as a Variant of Uncertain Significance.